The following is an entry in ClinVar:

ClinVar aggregate classification (germline): Uncertain significance (1 of 4 stars; one submission).

Submission:

Labcorp Genetics (formerly Invitae), Labcorp
Classification: Uncertain significance. Last evaluated: 2023-12-10. Review status: criteria provided, single submitter. Criteria: Invitae Variant Classification Sherloc (09022015). Collection method: clinical testing. Allele origin: germline.
Comment: This sequence change replaces cysteine, which is neutral and slightly polar, with tryptophan, which is neutral and slightly polar, at codon 662 of the COL9A3 protein (p.Cys662Trp). This variant is not present in population databases (gnomAD no frequency). This variant has not been reported in the literature in individuals affected with COL9A3-related conditions. Advanced modeling of protein sequence and biophysical properties (such as structural, functional, and spatial information, amino acid conservation, physicochemical variation, residue mobility, and thermodynamic stability) performed at Invitae indicates that this missense variant is not expected to disrupt COL9A3 protein function with a negative predictive value of 95%. In summary, the available evidence is currently insufficient to determine the role of this variant in disease. Therefore, it has been classified as a Variant of Uncertain Significance.

NM_001853.4(COL9A3):c.1986C>G (p.Cys662Trp)

Gene: COL9A3 (collagen type IX alpha 3 chain; plus strand). Cytogenetic location: 20q13.33.
Variant type: single nucleotide variant.
Coding change: c.1986C>G on transcript NM_001853.4 (MANE Select); coding-DNA position 1986, C replaced by G.
Protein change: p.Cys662Trp; replaces cysteine 662 with tryptophan.
Molecular consequence: missense variant.
Genome position (GRCh38, 1-based): chr20:62,840,663, C>G. VCF-style: chr20-62840663-C-G. GRCh37 (hg19) VCF-style: chr20-61472015-C-G.
Other names: short protein forms C662W.
Identifiers: ClinVar variation 3006819 (VCV003006819.3), dbSNP rs139796454, ClinGen allele CA409601748.